The following is an entry in ClinVar:

ClinVar aggregate classification (germline): Uncertain significance (1 of 4 stars; one submission).

Submission:

Ambry Genetics
Classification: Uncertain significance. Last evaluated: 2022-04-06. Review status: criteria provided, single submitter. Criteria: Ambry Variant Classification Scheme 2023. Collection method: clinical testing. Allele origin: germline.
Comment: The p.Q534H variant (also known as c.1602A>T), located in coding exon 17 of the SLMAP gene, results from an A to T substitution at nucleotide position 1602. The glutamine at codon 534 is replaced by histidine, an amino acid with highly similar properties. This amino acid position is conserved. In addition, this alteration is predicted to be tolerated by in silico analysis. Since supporting evidence is limited at this time, the clinical significance of this alteration remains unclear.

NM_001377540.1(SLMAP):c.1704A>T (p.Gln568His)

Gene: SLMAP (sarcolemma associated protein; plus strand). Cytogenetic location: 3p14.3.
Variant type: single nucleotide variant.
Coding change: c.1704A>T on transcript NM_001377540.1 (MANE Select); coding-DNA position 1704, A replaced by T.
Protein change: p.Gln568His; replaces glutamine 568 with histidine.
Molecular consequence: missense variant. On other transcripts: non-coding transcript variant (1).
Genome position (GRCh38, 1-based): chr3:57,912,385, A>T. VCF-style: chr3-57912385-A-T. GRCh37 (hg19) VCF-style: chr3-57898112-A-T.
Other names: c.1653A>T, p.Gln551His (NM_001304420.3, NM_001377541.1, NM_001377542.1); c.1539A>T, p.Gln513His (NM_001304421.2, NM_001377557.1, NM_001377559.1); c.255A>T, p.Gln85His (NM_001304422.3, NM_001311178.2); c.57A>T, p.Gln19His (NM_001304423.3); c.132A>T, p.Gln44His (NM_001311179.2, NM_001377926.1, NM_001377927.1 and 1 more transcripts); c.1725A>T, p.Gln575His (NM_001377538.1); c.1704A>T, p.Gln568His (NM_001377539.1); c.1641A>T, p.Gln547His (NM_001377545.1); and 8 more; short protein forms Q19H, Q530H, Q551H, Q575H, Q472H, Q489H, Q493H, Q510H.
Identifiers: ClinVar variation 1776195 (VCV001776195.2), dbSNP rs771986392, ClinGen allele CA353408051.
Genomic context (GRCh38, chr3:57,912,385, plus strand): 5'-TATGGATTATTCTTTTATTCTAATGGGCCAAGAAAATGATGGATATACTTTTGCAGCCCA[A>T]TTGCAGAGGTTACACATCGATACTGAGAATCTCCGGGAGGAGAAGGACAGTGAAATCACA-3'
Protein context (NP_001364469.1, residues 558-578): STKQIQVLQA[Gln568His]LQRLHIDTEN